The following is an entry in ClinVar:

ClinVar aggregate classification (germline): Uncertain significance (1 of 4 stars; one submission).

Allele frequency attached by ClinVar (database versions not stated): gnomAD 0.00001; TOPMed 0.00001.

Submission:

Labcorp Genetics (formerly Invitae), Labcorp
Classification: Uncertain significance. Last evaluated: 2022-05-06. Review status: criteria provided, single submitter. Criteria: Invitae Variant Classification Sherloc (09022015). Collection method: clinical testing. Allele origin: germline.
Comment: This sequence change replaces arginine, which is basic and polar, with lysine, which is basic and polar, at codon 195 of the ACAD9 protein (p.Arg195Lys). This variant is not present in population databases (gnomAD no frequency). This variant has not been reported in the literature in individuals affected with ACAD9-related conditions. Advanced modeling of protein sequence and biophysical properties (such as structural, functional, and spatial information, amino acid conservation, physicochemical variation, residue mobility, and thermodynamic stability) performed at Invitae indicates that this missense variant is not expected to disrupt ACAD9 protein function. In summary, the available evidence is currently insufficient to determine the role of this variant in disease. Therefore, it has been classified as a Variant of Uncertain Significance.

NM_014049.5(ACAD9):c.584G>A (p.Arg195Lys)

Gene: ACAD9 (acyl-CoA dehydrogenase family member 9; plus strand). Cytogenetic location: 3q21.3.
Variant type: single nucleotide variant.
Coding change: c.584G>A on transcript NM_014049.5 (MANE Select); coding-DNA position 584, G replaced by A.
Protein change: p.Arg195Lys; replaces arginine 195 with lysine.
Molecular consequence: missense variant. On other transcripts: non-coding transcript variant (1).
Genome position (GRCh38, 1-based): chr3:128,897,661, G>A. VCF-style: chr3-128897661-G-A. GRCh37 (hg19) VCF-style: chr3-128616504-G-A.
Other names: c.215G>A, p.Arg72Lys (NM_001410805.1); short protein forms R72K, R195K.
Identifiers: ClinVar variation 1908682 (VCV001908682.2), dbSNP rs1935604601, ClinGen allele CA354434083.
Genomic context (GRCh38, chr3:128,897,661, plus strand): 5'-CTCCCTTGACCACATCTTTCTGCATCTGCAGTGGGAGCGATGCAGCCTCAATCCGGAGCA[G>A]AGCCACACTAAGTGAAGACAAGAAGCACTACATCCTCAATGGCTCCAAGGTAGGGTTCCT-3'
Protein context (NP_054768.2, residues 185-205): SGSDAASIRS[Arg195Lys]ATLSEDKKHY